The following is an entry in ClinVar:

ClinVar aggregate classification (germline): Uncertain significance (1 of 4 stars; one submission).

Allele frequency attached by ClinVar (database versions not stated): gnomAD exomes below 0.00001.
gnomAD v4.1: 1 of 1,614,048 alleles (0.000062%); highest among the groups gnomAD compares: African/African-American, 0.0013%; no homozygotes.

Submission:

Labcorp Genetics (formerly Invitae), Labcorp
Classification: Uncertain significance. Last evaluated: 2024-05-22. Review status: criteria provided, single submitter. Criteria: Invitae Variant Classification Sherloc (09022015). Collection method: clinical testing. Allele origin: germline.
Comment: This sequence change replaces lysine, which is basic and polar, with isoleucine, which is neutral and non-polar, at codon 859 of the ADGRA3 protein (p.Lys859Ile). This variant is not present in population databases (gnomAD no frequency). This variant has not been reported in the literature in individuals affected with ADGRA3-related conditions. ClinVar contains an entry for this variant (Variation ID: 1500670). An algorithm developed to predict the effect of missense changes on protein structure and function (PolyPhen-2) suggests that this variant is likely to be disruptive. In summary, the available evidence is currently insufficient to determine the role of this variant in disease. Therefore, it has been classified as a Variant of Uncertain Significance.

NM_145290.4(ADGRA3):c.2576A>T (p.Lys859Ile)

Gene: ADGRA3 (adhesion G protein-coupled receptor A3; minus strand). Cytogenetic location: 4p15.2.
Variant type: single nucleotide variant.
Coding change: c.2576A>T on transcript NM_145290.4 (MANE Select); coding-DNA position 2576, A replaced by T.
Protein change: p.Lys859Ile; replaces lysine 859 with isoleucine.
Molecular consequence: missense variant.
Genome position (GRCh38, 1-based): chr4:22,392,596, T>A on the plus strand (A>T on the coding strand, the complement: ADGRA3 is on the minus strand). VCF-style: chr4-22392596-T-A. GRCh37 (hg19) VCF-style: chr4-22394219-T-A.
Other names: short protein forms K859I.
Identifiers: ClinVar variation 1500670 (VCV001500670.8), dbSNP rs2108994805, ClinGen allele CA356475985.